The following is an entry in ClinVar:

NM_133443.4(GPT2):c.630_631delinsTT (p.Met210_Ile211delinsIlePhe)

Gene: GPT2 (glutamic--pyruvic transaminase 2; plus strand). Cytogenetic location: 16q11.2.
Variant type: Indel.
Coding change: c.630_631delinsTT on transcript NM_133443.4 (MANE Select); coding-DNA positions 630 to 631, GA replaced by TT.
Protein change: p.Met210_Ile211delinsIlePhe.
Molecular consequence: missense variant.
Genome position (GRCh38, 1-based): chr16:46,909,737-46,909,738, GA replaced by TT. VCF-style: chr16-46909737-GA-TT. GRCh37 (hg19) VCF-style: chr16-46943649-GA-TT.
Other names: c.330_331delinsTT, p.Met110_Ile111delinsIlePhe (NM_001142466.3).
Identifiers: ClinVar variation 2662738 (VCV002662738.2), dbSNP rs2548974751, ClinGen allele CA2695197642.

ClinVar aggregate classification (germline): Uncertain significance. Review status: criteria provided, multiple submitters, no conflicts (2 of 4 stars). 2 submissions from 2 submitters: Uncertain significance (2). Last evaluated 2025-12-05.

Submissions (2):

Women's Health and Genetics/Laboratory Corporation of America, LabCorp
Classification: Uncertain significance. Last evaluated: 2025-12-05. Review status: criteria provided, single submitter. Criteria: LabCorp Variant Classification Summary - May 2015. Collection method: clinical testing. Allele origin: germline.
Comment: Variant summary: GPT2 c.630_631delinsTT (p.Met210_Ile211delinsIlePhe) results in an in-frame deletion-insertion that is predicted to delete two amino acids from the protein and insert a single amino acid. The variant was absent in 251280 control chromosomes. The available data on variant occurrences in the general population are insufficient to allow any conclusion about variant significance. To our knowledge, no occurrence of c.630_631delinsTT in individuals affected with GPT2-related conditions and no experimental evidence demonstrating its impact on protein function have been reported. ClinVar contains an entry for this variant (Variation ID: 2662738). Based on the evidence outlined above, the variant was classified as uncertain significance.

GeneDx
Classification: Uncertain significance. Last evaluated: 2023-04-27. Review status: criteria provided, single submitter. Criteria: GeneDx Variant Classification Process June 2021. Collection method: clinical testing. Allele origin: germline. Affected: yes.
Comment: Not observed at significant frequency in large population cohorts (gnomAD); In silico analysis supports a deleterious effect on protein structure/function; Has not been previously published as pathogenic or benign to our knowledge